The following is an entry in ClinVar:

NM_000264.5(PTCH1):c.3450-11T>A

Gene: PTCH1 (patched 1; minus strand). Cytogenetic location: 9q22.32.
Variant type: single nucleotide variant.
Coding change: c.3450-11T>A on transcript NM_000264.5 (MANE Select); 11 bases into the intron before coding-DNA position 3450, T replaced by A.
Molecular consequence: intron variant.
Genome position (GRCh38, 1-based): chr9:95,449,951, A>T on the plus strand (T>A on the coding strand, the complement: PTCH1 is on the minus strand). VCF-style: chr9-95449951-A-T. GRCh37 (hg19) VCF-style: chr9-98212233-A-T.
Other names: c.3447-11T>A (NM_001083603.3); c.3252-11T>A (NM_001083602.3); c.3294-11T>A (NM_001354918.2); c.2997-11T>A (NM_001083605.3, NM_001083604.3, NM_001083606.3 and 1 more transcripts).
Identifiers: ClinVar variation 2449619 (VCV002449619.2), dbSNP rs2538021784, ClinGen allele CA2580081148.

ClinVar aggregate classification (germline): Likely pathogenic (1 of 4 stars; one submission).

Conditions:
Hereditary cancer-predisposing syndrome. Also called: Neoplastic Syndromes, Hereditary; Hereditary Cancer Syndrome; Tumor predisposition; Hereditary neoplastic syndrome. Identifiers: Orphanet 140162, MedGen C0027672, MeSH D009386, MONDO:0015356.

Submission:

Ambry Genetics
Classification: Likely pathogenic for Hereditary cancer-predisposing syndrome. Last evaluated: 2022-11-18. Review status: criteria provided, single submitter. Criteria: Ambry Variant Classification Scheme 2023. Collection method: clinical testing. Allele origin: germline.
Comment: The c.3450-11T>A intronic variant results from a T to A substitution 11 nucleotides upstream from coding exon 21 in the PTCH1 gene. This nucleotide position is not well conserved in available vertebrate species. This alteration has been observed in at least one individual with a personal and/or family history that is consistent with PTCH1-related disease (Ambry internal data). In silico splice site analysis predicts that this alteration will weaken the native splice acceptor site and will result in the creation or strengthening of a novel splice acceptor site; however, direct evidence is insufficient at this time (Ambry internal data). This variant is considered to be rare based on population cohorts in the Genome Aggregation Database (gnomAD). Based on the majority of available evidence to date, this variant is likely to be pathogenic.